The following is an entry in ClinVar:

NM_001378454.1(ALMS1):c.12193G>T (p.Glu4065Ter)

Genes: ALMS1 (ALMS1 centrosome and basal body associated protein; plus strand), LOC126806252 (BRD4-independent group 4 enhancer GRCh37_chr2:73828496-73829695; plus strand). Cytogenetic location: 2p13.1.
Variant type: single nucleotide variant.
Coding change: c.12193G>T on transcript NM_001378454.1 (MANE Select); coding-DNA position 12193, G replaced by T.
Protein change: p.Glu4065Ter; replaces glutamic acid 4065 with a stop codon.
Molecular consequence: nonsense.
Genome position (GRCh38, 1-based): chr2:73,602,263, G>T. VCF-style: chr2-73602263-G-T. GRCh37 (hg19) VCF-style: chr2-73829390-G-T.
Other names: c.12196G>T, p.Glu4066Ter (NM_015120.4); short protein forms E4065*, E4066*.
Identifiers: ClinVar variation 1726480 (VCV001726480.2), dbSNP rs1675711858, ClinGen allele CA347268056.
Genomic context (GRCh38, chr2:73,602,263, plus strand): 5'-AGACCTGACTTCATCTCCCGCTCTGGGGAGCGGATAAAGCGCCTGAAGTTAATAGTCCAG[G>T]AGAGGAAGCTGCAGAGCATGTTACAGACCGAGCGGGATGCACTATTCAACATTGACAGGG-3'

ClinVar aggregate classification (germline): Likely pathogenic (1 of 4 stars; one submission).

Conditions:
Alstrom syndrome (ALMS). Identifiers: Orphanet 64, MedGen C0268425, MONDO:0008763, OMIM 203800.

Submission:

Myriad Genetics, Inc.
Classification: Likely pathogenic for Alstrom syndrome. Last evaluated: 2021-12-17. Review status: criteria provided, single submitter. Criteria: Myriad Women's Health Autosomal Recessive and X-Linked Classification Criteria (2021). Collection method: clinical testing. Allele origin: unknown.
Comment: NM_015120.4(ALMS1):c.12196G>T(E4066*) is expected to be pathogenic in the context of Alstrom syndrome. This variant is predicted to lead to an abnormal or absent protein product due to the creation of a premature termination codon in ALMS1, a gene where loss-of-function variants are known to be pathogenic. Please note: this variant was assessed in the context of healthy population screening.